The following is an entry in ClinVar:

NM_182943.3(PLOD2):c.1128-13T>C

Gene: PLOD2 (procollagen-lysine,2-oxoglutarate 5-dioxygenase 2; minus strand). Cytogenetic location: 3q24.
Variant type: single nucleotide variant.
Coding change: c.1128-13T>C on transcript NM_182943.3 (MANE Select); 13 bases into the intron before coding-DNA position 1128, T replaced by C.
Molecular consequence: intron variant.
Genome position (GRCh38, 1-based): chr3:146,085,286, A>G on the plus strand (T>C on the coding strand, the complement: PLOD2 is on the minus strand). VCF-style: chr3-146085286-A-G. GRCh37 (hg19) VCF-style: chr3-145803073-A-G.
Other names: c.1128-13T>C (NM_000935.3).
Identifiers: ClinVar variation 2579867 (VCV002579867.1), dbSNP rs2473252520, ClinGen allele CA354891403.
Genomic context (GRCh38, chr3:146,085,286, plus strand): 5'-TCCACACTAAAGTAATAATCACACTTTTCATCCTGACGGCAAAAGTCCCTAACAGTGAAA[A>G]AGAAAATGAAATGGGCATGACATAAAATAAATATCTGCTGACTGAAAAATGTTAATATAT-3'

ClinVar aggregate classification (germline): Uncertain significance (1 of 4 stars; one submission).

Submission:

GeneDx
Classification: Uncertain significance. Last evaluated: 2023-03-15. Review status: criteria provided, single submitter. Criteria: GeneDx Variant Classification Process June 2021. Collection method: clinical testing. Allele origin: germline. Affected: yes.
Comment: Not observed at significant frequency in large population cohorts (gnomAD); In silico analysis supports that this variant does not alter splicing; Has not been previously published as pathogenic or benign to our knowledge